The following is an entry in ClinVar:

NM_007315.4(STAT1):c.1222-9G>T

Gene: STAT1 (signal transducer and activator of transcription 1; minus strand). Cytogenetic location: 2q32.2.
Variant type: single nucleotide variant.
Coding change: c.1222-9G>T on transcript NM_007315.4 (MANE Select); 9 bases into the intron before coding-DNA position 1222, G replaced by T.
Molecular consequence: intron variant.
Genome position (GRCh38, 1-based): chr2:190,985,669, C>A on the plus strand (G>T on the coding strand, the complement: STAT1 is on the minus strand). VCF-style: chr2-190985669-C-A. GRCh37 (hg19) VCF-style: chr2-191850395-C-A.
Other names: c.1132-9G>T (NM_001384890.1); c.1123-9G>T (NM_001384883.1); c.1063-9G>T (NM_001384885.1); c.1129-9G>T (NM_001384887.1); c.1162-9G>T (NM_001384880.1); c.1192-9G>T (NM_001384888.1); c.1216-9G>T (NM_001384882.1); c.1222-9G>T (NM_001384889.1, NM_001384886.1, NM_139266.3); and 2 more.
Identifiers: ClinVar variation 333278 (VCV000333278.16), dbSNP rs551727276, ClinGen allele CA2029997.

ClinVar aggregate classification (germline): Benign/Likely benign. Review status: criteria provided, multiple submitters, no conflicts (2 of 4 stars). 4 submissions from 4 submitters: Benign (2); Likely benign (1). 1 of the submissions does not count toward it. Last evaluated 2025-12-29.

Conditions:
STAT1-related disorder. Also called: STAT1-related condition.
Immunodeficiency 31B. Also called: STAT1 DEFICIENCY, AUTOSOMAL RECESSIVE; IMMUNODEFICIENCY 31B, MYCOBACTERIAL AND VIRAL INFECTIONS, AUTOSOMAL RECESSIVE. Identifiers: Orphanet 391311, MedGen C3151088, MONDO:0013427, OMIM 613796.
Autoimmune enteropathy and endocrinopathy - susceptibility to chronic infections syndrome. Also called: Immunodeficiency 31C; Immunodeficiency 31C, autosomal dominant. Identifiers: Orphanet 391487, MedGen C3279990, MONDO:0013599, OMIM 614162.
Mendelian susceptibility to mycobacterial diseases due to partial STAT1 deficiency. Also called: IMMUNODEFICIENCY 31A, MYCOBACTERIOSIS, AUTOSOMAL DOMINANT; STAT1 DEFICIENCY, AUTOSOMAL DOMINANT; Immunodeficiency 31a. Identifiers: Orphanet 319595, MedGen C4013950, MONDO:0013956, OMIM 614892.

Allele frequency attached by ClinVar (database versions not stated): gnomAD below 0.00001 and 0.00014; TOPMed 0.00004; gnomAD exomes 0.00056; ExAC 0.00064; 1000 Genomes Project 30x 0.00187; 1000 Genomes Project 0.00220.
gnomAD v4.1: 377 of 1,613,994 alleles (0.023%); highest among the groups gnomAD compares: South Asian, 0.38%; 7 homozygotes.

Submissions (4):

Labcorp Genetics (formerly Invitae), Labcorp
Classification: Benign for Mendelian susceptibility to mycobacterial diseases due to partial STAT1 deficiency; Immunodeficiency 31B; Autoimmune enteropathy and endocrinopathy - susceptibility to chronic infections syndrome. Last evaluated: 2025-12-29. Review status: criteria provided, single submitter. Criteria: Invitae Variant Classification Sherloc (09022015). Collection method: clinical testing. Allele origin: germline.

Blueprint Genetics
Classification: Likely benign. Last evaluated: 2024-07-02. Review status: criteria provided, single submitter. Criteria: ACMG Guidelines, 2015. Collection method: clinical testing. Allele origin: germline.

Illumina Laboratory Services, Illumina
Classification: Benign for Mendelian susceptibility to mycobacterial diseases due to partial STAT1 deficiency. Last evaluated: 2018-01-12. Review status: criteria provided, single submitter. Criteria: ICSL Variant Classification Criteria 13 December 2019. Collection method: clinical testing. Allele origin: germline.
Comment: This variant was observed in the ICSL laboratory as part of a predisposition screen in an ostensibly healthy population. It had not been previously curated by ICSL or reported in the Human Gene Mutation Database (HGMD: prior to June 1st, 2018), and was therefore a candidate for classification through an automated scoring system. Utilizing variant allele frequency, disease prevalence and penetrance estimates, and inheritance mode, an automated score was calculated to assess if this variant is too frequent to cause the disease. Based on the score and internal cut-off values, a variant classified as benign is not then subjected to further curation. The score for this variant resulted in a classification of benign for this disease.

PreventionGenetics, part of Exact Sciences
Classification: Likely benign for STAT1-related condition. Last evaluated: 2024-01-02. Review status: no assertion criteria provided. Collection method: clinical testing. Allele origin: germline. Not counted in ClinVar's aggregate classification.
Comment: This variant is classified as likely benign based on ACMG/AMP sequence variant interpretation guidelines (Richards et al. 2015 PMID: 25741868, with internal and published modifications).